The following is an entry in ClinVar:

NM_003200.5(TCF3):c.671C>T (p.Ser224Leu)

Gene: TCF3 (transcription factor 3; minus strand). Cytogenetic location: 19p13.3.
Variant type: single nucleotide variant.
Coding change: c.671C>T on transcript NM_003200.5 (MANE Select); coding-DNA position 671, C replaced by T.
Protein change: p.Ser224Leu; replaces serine 224 with leucine.
Molecular consequence: missense variant.
Genome position (GRCh38, 1-based): chr19:1,622,205, G>A on the plus strand (C>T on the coding strand, the complement: TCF3 is on the minus strand). VCF-style: chr19-1622205-G-A. GRCh37 (hg19) VCF-style: chr19-1622204-G-A.
Other names: c.671C>T, p.Ser224Leu (NM_001136139.4, NM_001351778.2, NM_001351779.2); short protein forms S224L.
Identifiers: ClinVar variation 1713419 (VCV001713419.5), dbSNP rs2513666063, ClinGen allele CA403055950.

ClinVar aggregate classification (germline): Uncertain significance (1 of 4 stars; one submission).

Submission:

Labcorp Genetics (formerly Invitae), Labcorp
Classification: Uncertain significance. Last evaluated: 2022-07-23. Review status: criteria provided, single submitter. Criteria: Invitae Variant Classification Sherloc (09022015). Collection method: clinical testing. Allele origin: germline.
Comment: In summary, the available evidence is currently insufficient to determine the role of this variant in disease. Therefore, it has been classified as a Variant of Uncertain Significance. Algorithms developed to predict the effect of missense changes on protein structure and function are either unavailable or do not agree on the potential impact of this missense change (SIFT: "Not Available"; PolyPhen-2: "Benign"; Align-GVGD: "Not Available"). This variant has not been reported in the literature in individuals affected with TCF3-related conditions. This variant is not present in population databases (gnomAD no frequency). This sequence change replaces serine, which is neutral and polar, with leucine, which is neutral and non-polar, at codon 224 of the TCF3 protein (p.Ser224Leu).